The following is an entry in ClinVar:

ClinVar aggregate classification (germline): Uncertain significance (1 of 4 stars; one submission).

Allele frequency attached by ClinVar (database versions not stated): gnomAD 0.00001; TOPMed 0.00001; ExAC 0.00002; gnomAD exomes 0.00002.

Submission:

Labcorp Genetics (formerly Invitae), Labcorp
Classification: Uncertain significance. Last evaluated: 2023-12-07. Review status: criteria provided, single submitter. Criteria: Invitae Variant Classification Sherloc (09022015). Collection method: clinical testing. Allele origin: germline.
Comment: This sequence change replaces glycine, which is neutral and non-polar, with aspartic acid, which is acidic and polar, at codon 364 of the IDH3B protein (p.Gly364Asp). This variant is present in population databases (rs777157641, gnomAD 0.004%). This variant has not been reported in the literature in individuals affected with IDH3B-related conditions. ClinVar contains an entry for this variant (Variation ID: 1426551). Advanced modeling of protein sequence and biophysical properties (such as structural, functional, and spatial information, amino acid conservation, physicochemical variation, residue mobility, and thermodynamic stability) performed at Invitae indicates that this missense variant is not expected to disrupt IDH3B protein function with a negative predictive value of 80%. In summary, the available evidence is currently insufficient to determine the role of this variant in disease. Therefore, it has been classified as a Variant of Uncertain Significance.

NM_006899.5(IDH3B):c.1091G>A (p.Gly364Asp)

Gene: IDH3B (isocitrate dehydrogenase (NAD(+)) 3 non-catalytic subunit beta; minus strand). Cytogenetic location: 20p13.
Variant type: single nucleotide variant.
Coding change: c.1091G>A on transcript NM_006899.5 (MANE Select); coding-DNA position 1091, G replaced by A.
Protein change: p.Gly364Asp; replaces glycine 364 with aspartic acid.
Molecular consequence: missense variant. On other transcripts: non-coding transcript variant (1), intron variant (1).
Genome position (GRCh38, 1-based): chr20:2,658,818, C>T on the plus strand (G>A on the coding strand, the complement: IDH3B is on the minus strand). VCF-style: chr20-2658818-C-T. GRCh37 (hg19) VCF-style: chr20-2639464-C-T.
Other names: c.1091G>A, p.Gly364Asp (NM_001330763.2); c.1072-296G>A (NM_174855.4); short protein forms G364D.
Identifiers: ClinVar variation 1426551 (VCV001426551.8), dbSNP rs777157641, ClinGen allele CA9735052.
Genomic context (GRCh38, chr20:2,658,818, plus strand): 5'-CCTTTAGTCTGCAGGTGACCGATGACAGACTTGATGAAGTCGGTTGTGGTGCTGTAGCCG[C>T]CCATGTCTCGAGTCCGCACCTACAGCCACCACCGGCAACAGCCGTGGGGAGGGAGAAAAG-3'
Protein context (NP_008830.2, residues 354-374): KVGKVRTRDM[Gly364Asp]GYSTTTDFIK